The following is an entry in ClinVar:

NM_014727.3(KMT2B):c.215G>A (p.Gly72Glu)

Gene: KMT2B (lysine methyltransferase 2B; plus strand). Cytogenetic location: 19q13.12.
Variant type: single nucleotide variant.
Coding change: c.215G>A on transcript NM_014727.3 (MANE Select); coding-DNA position 215, G replaced by A.
Protein change: p.Gly72Glu; replaces glycine 72 with glutamic acid.
Molecular consequence: missense variant.
Genome position (GRCh38, 1-based): chr19:35,718,233, G>A. VCF-style: chr19-35718233-G-A. GRCh37 (hg19) VCF-style: chr19-36209135-G-A.
Other names: short protein forms G72E.
Identifiers: ClinVar variation 2135412 (VCV002135412.4), dbSNP rs2513306773, ClinGen allele CA405375147.
Genomic context (GRCh38, chr19:35,718,233, plus strand): 5'-GCGCGACGGGGCCGGGCGGAGCCGAGCCCGGGGAGGACACGGCCCTGCTCCGTTTGCTGG[G>A]GCTCCGCCGGGGCCTGCGCCGGCTCCGCCGCCTGTGGGCCGGCCCGCGGGTCCAGCGGGG-3'
Protein context (NP_055542.1, residues 62-82): GEDTALLRLL[Gly72Glu]LRRGLRRLRR

ClinVar aggregate classification (germline): Uncertain significance (1 of 4 stars; one submission).

Allele frequency attached by ClinVar (database versions not stated): gnomAD exomes below 0.00001.
gnomAD v4.1: 1 of 1,183,768 alleles (0.000084%); highest among the groups gnomAD compares: Non-Finnish European, 0.00011%; no homozygotes.

Submission:

Labcorp Genetics (formerly Invitae), Labcorp
Classification: Uncertain significance. Last evaluated: 2022-05-08. Review status: criteria provided, single submitter. Criteria: Invitae Variant Classification Sherloc (09022015). Collection method: clinical testing. Allele origin: germline.
Comment: In summary, the available evidence is currently insufficient to determine the role of this variant in disease. Therefore, it has been classified as a Variant of Uncertain Significance. Algorithms developed to predict the effect of missense changes on protein structure and function are either unavailable or do not agree on the potential impact of this missense change (SIFT: "Deleterious"; PolyPhen-2: "Not Available"; Align-GVGD: "Class C0"). This variant has not been reported in the literature in individuals affected with KMT2B-related conditions. This variant is not present in population databases (gnomAD no frequency). This sequence change replaces glycine, which is neutral and non-polar, with glutamic acid, which is acidic and polar, at codon 72 of the KMT2B protein (p.Gly72Glu).